The following is an entry in ClinVar:

ClinVar aggregate classification (germline): Benign/Likely benign. Review status: criteria provided, multiple submitters, no conflicts (2 of 4 stars). 4 submissions from 4 submitters: Benign (2); Likely benign (2). Last evaluated 2026-02-02.

Conditions:
Hyper-IgM syndrome type 1. Also called: Hyper-IgM Immunodeficiency Syndrome, Type 1; CD40 Ligand Deficiency; X-linked hyper-IgM syndrome; Immunodeficiency, X-linked, with hyper-IgM. Identifiers: Orphanet 101088, MedGen C0398689, MONDO:0010626, OMIM 308230.

Allele frequency attached by ClinVar (database versions not stated): gnomAD exomes 0.00011; ExAC 0.00016; 1000 Genomes Project 0.00026; 1000 Genomes Project 30x 0.00042; gnomAD 0.00053 and 0.00057; TOPMed 0.00054; ESP Exome Variant Server 0.00076.
gnomAD v4.1: 102 of 1,209,798 alleles (0.0084%); highest among the groups gnomAD compares: African/African-American, 0.18%; 1 homozygote.

Submissions (4):

Women's Health and Genetics/Laboratory Corporation of America, LabCorp
Classification: Likely benign. Last evaluated: 2026-02-02. Review status: criteria provided, single submitter. Criteria: LabCorp Variant Classification Summary - May 2015. Collection method: clinical testing. Allele origin: germline.
Comment: Variant summary: CD40LG c.601T>C (p.Phe201Leu) results in a non-conservative amino acid change in the encoded protein sequence. Algorithms developed to predict the effect of missense changes on protein structure and function are either unavailable or do not agree on the potential impact of this missense change. The variant allele was found at a frequency of 0.00011 in 183173 control chromosomes, predominantly at a frequency of 0.0014 within the African or African-American subpopulation in the gnomAD database. The observed variant frequency within African or African-American control individuals in the gnomAD database exceeds the estimated maximal expected allele frequency for disease-causing variants in CD40LG. To our knowledge, no occurrence of c.601T>C in individuals affected with CD40LG-related conditions and no experimental evidence demonstrating its impact on protein function have been reported. ClinVar contains an entry for this variant (Variation ID: 744901). Based on the evidence outlined above, the variant was classified as likely benign.

Labcorp Genetics (formerly Invitae), Labcorp
Classification: Benign for Hyper-IgM syndrome type 1. Last evaluated: 2025-12-03. Review status: criteria provided, single submitter. Criteria: Invitae Variant Classification Sherloc (09022015). Collection method: clinical testing. Allele origin: germline.

Mayo Clinic Laboratories, Mayo Clinic
Classification: Benign. Last evaluated: 2025-02-26. Review status: criteria provided, single submitter. Criteria: ACMG Guidelines, 2015. Collection method: clinical testing. Allele origin: germline. Observed: 2 variant alleles.
Comment: BS1, BS2, BP4

Blueprint Genetics
Classification: Likely benign. Last evaluated: 2020-11-24. Review status: criteria provided, single submitter. Criteria: ACMG Guidelines, 2015. Collection method: clinical testing. Allele origin: germline.

NM_000074.3(CD40LG):c.601T>C (p.Phe201Leu)

Gene: CD40LG (CD40 ligand; plus strand). Cytogenetic location: Xq26.3.
Variant type: single nucleotide variant.
Coding change: c.601T>C on transcript NM_000074.3 (MANE Select); coding-DNA position 601, T replaced by C.
Protein change: p.Phe201Leu; replaces phenylalanine 201 with leucine.
Molecular consequence: missense variant.
Genome position (GRCh38, 1-based): chrX:136,659,230, T>C. VCF-style: chrX-136659230-T-C. GRCh37 (hg19) VCF-style: chrX-135741389-T-C.
Other names: p.Phe201Leu; short protein forms F201L.
Identifiers: ClinVar variation 744901 (VCV000744901.14), dbSNP rs144827029, ClinGen allele CA10528164.